The following is an entry in ClinVar:

ClinVar aggregate classification (germline): Uncertain significance (1 of 4 stars; one submission).

Conditions:
Inborn genetic diseases. Identifiers: MedGen C0950123, MeSH D030342.

Submission:

Ambry Genetics
Classification: Uncertain significance for Inborn genetic diseases. Last evaluated: 2024-01-03. Review status: criteria provided, single submitter. Criteria: Ambry Variant Classification Scheme 2023. Collection method: clinical testing. Allele origin: germline.
Comment: The p.G37E variant (also known as c.110G>A), located in coding exon 2 of the MDH2 gene, results from a G to A substitution at nucleotide position 110. The glycine at codon 37 is replaced by glutamic acid, an amino acid with similar properties. This amino acid position is conserved. In addition, this alteration is predicted to be deleterious by in silico analysis. Since supporting evidence is limited at this time, the clinical significance of this alteration remains unclear.

NM_005918.4(MDH2):c.110G>A (p.Gly37Glu)

Gene: MDH2 (malate dehydrogenase 2; plus strand). Cytogenetic location: 7q11.23.
Variant type: single nucleotide variant.
Coding change: c.110G>A on transcript NM_005918.4 (MANE Select); coding-DNA position 110, G replaced by A.
Protein change: p.Gly37Glu; replaces glycine 37 with glutamic acid.
Molecular consequence: missense variant. On other transcripts: intron variant (1).
Genome position (GRCh38, 1-based): chr7:76,054,873, G>A. VCF-style: chr7-76054873-G-A. GRCh37 (hg19) VCF-style: chr7-75684191-G-A.
Other names: c.110G>A, p.Gly37Glu (NM_001282403.2); c.-86-2537G>A (NM_001282404.2); short protein forms G37E.
Identifiers: ClinVar variation 1794780 (VCV001794780.2), dbSNP rs2535852651, ClinGen allele CA367762235.